The following is an entry in ClinVar:

NM_181426.2(CCDC39):c.1893_1896delinsTT (p.Arg631_Leu632insTer)

Gene: CCDC39 (coiled-coil domain 39 molecular ruler complex subunit; minus strand). Cytogenetic location: 3q26.33.
Variant type: Indel.
Coding change: c.1893_1896delinsTT on transcript NM_181426.2 (MANE Select); coding-DNA positions 1893 to 1896, GCTA replaced by TT.
Protein change: p.Arg631_Leu632insTer.
Molecular consequence: frameshift variant.
Genome position (GRCh38, 1-based): chr3:180,631,571-180,631,574, TAGC replaced by AA on the plus strand (GCTA replaced by TT on the coding strand, the reverse complement: CCDC39 is on the minus strand). VCF-style: chr3-180631571-TAGC-AA. GRCh37 (hg19) VCF-style: chr3-180349359-TAGC-AA.
Identifiers: ClinVar variation 4221219 (VCV004221219.1).

ClinVar aggregate classification (germline): Pathogenic (1 of 4 stars; one submission).

Conditions:
Primary ciliary dyskinesia. Also called: Ciliary dyskinesia. Identifiers: Orphanet 244, MedGen C0008780, MONDO:0016575, HP:0012265.

Submission:

Ambry Genetics
Classification: Pathogenic for Primary ciliary dyskinesia. Last evaluated: 2025-06-17. Review status: criteria provided, single submitter. Criteria: Ambry Variant Classification Scheme 2023. Collection method: clinical testing. Allele origin: germline.
Comment: The c.1893_1896delGCTAinsTT pathogenic mutation, located in coding exon 14 of the CCDC39 gene, results from the deletion of 4 nucleotides and insertion of two nucleotides causing a translational frameshift with a predicted alternate stop codon (p.L632*). This variant is considered to be rare based on population cohorts in the Genome Aggregation Database (gnomAD). This alteration is expected to result in loss of function by premature protein truncation or nonsense-mediated mRNA decay. As such, this alteration is interpreted as a disease-causing mutation.